The following is an entry in ClinVar:

NM_003476.5(CSRP3):c.140C>T (p.Thr47Met)

Gene: CSRP3 (cysteine and glycine rich protein 3; minus strand). Cytogenetic location: 11p15.1.
Variant type: single nucleotide variant.
Coding change: c.140C>T on transcript NM_003476.5 (MANE Select); coding-DNA position 140, C replaced by T.
Protein change: p.Thr47Met; replaces threonine 47 with methionine.
Molecular consequence: missense variant. On other transcripts: intron variant (1).
Genome position (GRCh38, 1-based): chr11:19,188,277, G>A on the plus strand (C>T on the coding strand, the complement: CSRP3 is on the minus strand). VCF-style: chr11-19188277-G-A. GRCh37 (hg19) VCF-style: chr11-19209824-G-A.
Other names: c.113-1929C>T (NM_001369404.1); c.140C>T (NM_003476.4); short protein forms T47M.
Identifiers: ClinVar variation 44685 (VCV000044685.18), dbSNP rs397516851, ClinGen allele CA134866.
Genomic context (GRCh38, chr11:19,188,277, plus strand): 5'-CCATATCTGCGCCCATAGCACACCTTGCAGTAGATCTCCGACTCATGAGCCGCGACTGTC[G>A]TGCTGTCAAGAGCCTTCCTGCAGGCCACTGCCAGGAAAAGGAAGGGTCATGGGATTGGAA-3'
Protein context (NP_003467.1, residues 37-57): CMACRKALDS[Thr47Met]TVAAHESEIY

ClinVar aggregate classification (germline): Uncertain significance. Review status: criteria provided, multiple submitters, no conflicts (2 of 4 stars). 9 submissions from 9 submitters: Uncertain significance (6). 3 of the submissions do not count toward it. Last evaluated 2025-07-15.

Conditions:
Cardiovascular phenotype. Identifiers: MedGen CN230736.
Hypertrophic cardiomyopathy 12. Identifiers: MedGen C2677491, MONDO:0012804, OMIM 612124.
Dilated cardiomyopathy 1M (CMD1M). Identifiers: Orphanet 154, MedGen C1843808, MONDO:0011840, OMIM 607482.

Allele frequency attached by ClinVar (database versions not stated): gnomAD exomes 0.00002; ExAC 0.00002; TOPMed 0.00005; gnomAD 0.00003.
gnomAD v4.1: 23 of 1,612,436 alleles (0.0014%); highest among the groups gnomAD compares: African/African-American, 0.011%; no homozygotes.

Submissions (9):

Labcorp Genetics (formerly Invitae), Labcorp
Classification: Uncertain significance for Hypertrophic cardiomyopathy 12; Dilated cardiomyopathy 1M. Last evaluated: 2025-07-15. Review status: criteria provided, single submitter. Criteria: Invitae Variant Classification Sherloc (09022015). Collection method: clinical testing. Allele origin: germline.
Comment: This sequence change replaces threonine, which is neutral and polar, with methionine, which is neutral and non-polar, at codon 47 of the CSRP3 protein (p.Thr47Met). This variant is present in population databases (rs397516851, gnomAD 0.02%). This missense change has been observed in individual(s) with hypertrophic cardiomyopathy or dilated cardiomyopathy (PMID: 27532257, 32880476). ClinVar contains an entry for this variant (Variation ID: 44685). An algorithm developed to predict the effect of missense changes on protein structure and function (PolyPhen-2) suggests that this variant is likely to be disruptive. In summary, the available evidence is currently insufficient to determine the role of this variant in disease. Therefore, it has been classified as a Variant of Uncertain Significance.

GeneDx
Classification: Uncertain significance. Last evaluated: 2023-07-29. Review status: criteria provided, single submitter. Criteria: GeneDx Variant Classification Process June 2021. Collection method: clinical testing. Allele origin: germline. Affected: yes.
Comment: Identified in patients with cardiomyopathy in published literature (Walsh et al., 2017; Verdonschot et al., 2020); at least one patient harbored an additional cardiogenetic variant; In silico analysis supports that this missense variant has a deleterious effect on protein structure/function; This variant is associated with the following publications: (PMID: 32880476, 27532257, 35241752)

Ambry Genetics
Classification: Uncertain significance for Cardiovascular phenotype. Last evaluated: 2023-01-10. Review status: criteria provided, single submitter. Criteria: Ambry General Variant Classification Scheme_2022. Collection method: clinical testing. Allele origin: germline.
Comment: The p.T47M variant (also known as c.140C>T), located in coding exon 2 of the CSRP3 gene, results from a C to T substitution at nucleotide position 140. The threonine at codon 47 is replaced by methionine, an amino acid with similar properties. This variant has been detected in an individual from a hypertrophic cardiomyopathy genetic testing cohort and in an individiual from a dilated cardiomyopathy registry; however, clinical details were limited (Alfares AA et al. Genet Med, 2015 Nov;17:880-8; Verdonschot JAJ et al. Circ Genom Precis Med, 2020 Oct;13:476-487). This amino acid position is highly conserved in available vertebrate species. In addition, the in silico prediction for this alteration is inconclusive. Since supporting evidence is limited at this time, the clinical significance of this alteration remains unclear.

AiLife Diagnostics
Classification: Uncertain significance. Last evaluated: 2022-02-13. Review status: criteria provided, single submitter. Criteria: ACMG Guidelines, 2015. Collection method: clinical testing. Allele origin: germline. Affected: yes. Observed: 2 variant alleles.

Fulgent Genetics
Classification: Uncertain significance for Dilated cardiomyopathy 1M; Hypertrophic cardiomyopathy 12. Last evaluated: 2021-07-30. Review status: criteria provided, single submitter. Criteria: ACMG Guidelines, 2015. Collection method: clinical testing. Allele origin: unknown.

Laboratory for Molecular Medicine, Mass General Brigham Personalized Medicine
Classification: Uncertain significance. Last evaluated: 2012-01-13. Review status: criteria provided, single submitter. Criteria: LMM Criteria. Collection method: clinical testing. Allele origin: germline. Observed: 1 variant allele.
Comment: The Thr47Met variant (CSRP3) has been reported in a single individual with DCM a nd was absent from 288 control chromosomes (Brazilian dissertation, see link bel ow). The change affects a domain of the CSRP3 protein where several other HCM va riants have been identified (Geier 2008). Threonine (Thr) at this position is h ighly conserved across evolutionarily distant species, suggesting that a change may not be tolerated. Computations tools (AlignGVGD, PolyPhen2, SIFT) provide co nflicting information regarding the pathogenicity of this variant although their accuracy is unknown. In the absence of addition information, the clinical sign ificance of this variant cannot be determined at this time. p.br/teses/disponiveis/5/5166/tde-24052011-144734/publico/DiogoGoncalvesBiagiSan tos.pdf

Diagnostic Laboratory, Department of Genetics, University Medical Center Groningen
Classification: Uncertain significance. Review status: no assertion criteria provided. Collection method: clinical testing. Allele origin: germline. Affected: yes. Study: VKGL Data-share Consensus. Not counted in ClinVar's aggregate classification.

Genome Diagnostics Laboratory, University Medical Center Utrecht
Classification: Uncertain significance. Review status: no assertion criteria provided. Collection method: clinical testing. Allele origin: germline. Affected: yes. Study: VKGL Data-share Consensus. Not counted in ClinVar's aggregate classification.

Joint Genome Diagnostic Labs from Nijmegen and Maastricht, Radboudumc and MUMC+
Classification: Uncertain significance. Review status: no assertion criteria provided. Collection method: clinical testing. Allele origin: germline. Affected: yes. Study: VKGL Data-share Consensus. Not counted in ClinVar's aggregate classification.

Literature cited by the submitters: PubMed 27532257 (cited by Labcorp Genetics (formerly Invitae), Labcorp and AiLife Diagnostics); PubMed 32880476 (cited by 3 submitters); PubMed 25611685 (cited by Ambry Genetics).